The following is an entry in ClinVar:

ClinVar aggregate classification (germline): Pathogenic (1 of 4 stars; one submission).

Submission:

Ambry Genetics
Classification: Pathogenic. Last evaluated: 2025-11-07. Review status: criteria provided, single submitter. Criteria: Ambry Variant Classification Scheme 2023. Collection method: clinical testing. Allele origin: germline.
Comment: The c.314dupC (p.P106Afs*13) alteration, located in exon 2 (coding exon 1) of the ZFHX3 gene, consists of a duplication of C at position 314, causing a translational frameshift with a predicted alternate stop codon after 13 amino acids. This alteration is expected to result in loss of function by premature protein truncation or nonsense-mediated mRNA decay. The Genome Aggregation Database (gnomAD) data for this variant is unreliable due to technical and/or biological issues; therefore, population frequency estimates were not considered. Based on the available evidence, this alteration is classified as pathogenic.

NM_006885.4(ZFHX3):c.314dup (p.Pro106fs)

Gene: ZFHX3 (zinc finger homeobox 3; minus strand). Cytogenetic location: 16q22.3.
Variant type: Duplication.
Coding change: c.314dup on transcript NM_006885.4 (MANE Select); coding-DNA position 314, one base duplicated (C; older notation c.314dupC).
Protein change: p.Pro106fs; shifts the reading frame from proline 106.
Molecular consequence: frameshift variant. On other transcripts: intron variant (1).
Genome position (GRCh38, 1-based): chr16:72,959,832, G duplicated on the plus strand (C on the coding strand, the reverse complement: ZFHX3 is on the minus strand); the first of 6 consecutive G bases (chr16:72,959,832-72,959,837); duplicating any one gives the same sequence. VCF-style (leftmost placement, unchanged base first): chr16-72959831-C-CG. GRCh37 (hg19) VCF-style: chr16-72993730-C-CG.
Other names: c.314dup, p.Pro106fs (NM_001386735.1); c.-23-8867dup (NM_001164766.2); short protein forms P106fs.
Identifiers: ClinVar variation 4607405 (VCV004607405.1).